The following is an entry in ClinVar:

ClinVar aggregate classification (germline): Uncertain significance. Review status: criteria provided, multiple submitters, no conflicts (2 of 4 stars). 2 submissions from 2 submitters: Uncertain significance (2). Last evaluated 2022-08-22.

Conditions:
Dilated cardiomyopathy 1KK (CMD1KK). Identifiers: Orphanet 154, Orphanet 75249, MedGen C3714995, MONDO:0014100, OMIM 615248.

Allele frequency attached by ClinVar (database versions not stated): gnomAD exomes below 0.00001 and 0.00001; ExAC 0.00001; gnomAD 0.00001; TOPMed 0.00001.
gnomAD v4.1: 5 of 1,609,690 alleles (0.00031%); highest among the groups gnomAD compares: East Asian, 0.0022%; no homozygotes.

Submissions (2):

Labcorp Genetics (formerly Invitae), Labcorp
Classification: Uncertain significance for Dilated cardiomyopathy 1KK. Last evaluated: 2022-08-22. Review status: criteria provided, single submitter. Criteria: Invitae Variant Classification Sherloc (09022015). Collection method: clinical testing. Allele origin: germline.
Comment: In summary, the available evidence is currently insufficient to determine the role of this variant in disease. Therefore, it has been classified as a Variant of Uncertain Significance. Algorithms developed to predict the effect of missense changes on protein structure and function (SIFT, PolyPhen-2, Align-GVGD) all suggest that this variant is likely to be tolerated. This missense change has been observed in individual(s) with clinical features of MYPN-related conditions (PMID: 29247119). This variant is present in population databases (rs773860716, gnomAD 0.007%). This sequence change replaces threonine, which is neutral and polar, with alanine, which is neutral and non-polar, at codon 251 of the MYPN protein (p.Thr251Ala).

Mayo Clinic Laboratories, Mayo Clinic
Classification: Uncertain significance. Last evaluated: 2015-08-13. Review status: criteria provided, single submitter. Criteria: ACMG Guidelines, 2015. Collection method: clinical testing. Allele origin: germline.

Literature cited by the submitters: PubMed 29247119 (cited by Labcorp Genetics (formerly Invitae), Labcorp).

NM_032578.4(MYPN):c.751A>G (p.Thr251Ala)

Gene: MYPN (myopalladin; plus strand). Cytogenetic location: 10q21.3.
Variant type: single nucleotide variant.
Coding change: c.751A>G on transcript NM_032578.4 (MANE Select); coding-DNA position 751, A replaced by G.
Protein change: p.Thr251Ala; replaces threonine 251 with alanine.
Molecular consequence: missense variant. On other transcripts: 5 prime UTR variant (1), non-coding transcript variant (1).
Genome position (GRCh38, 1-based): chr10:68,122,189, A>G. VCF-style: chr10-68122189-A-G. GRCh37 (hg19) VCF-style: chr10-69881946-A-G.
Other names: p.T251A; c.751A>G, p.Thr251Ala (NM_001256267.2); c.-372A>G (NM_001256268.2); c.751A>G (NM_032578.3); short protein forms T251A.
Identifiers: ClinVar variation 2136866 (VCV002136866.3), dbSNP rs773860716, ClinGen allele CA5522325.